The following is an entry in ClinVar:

NM_001035.3(RYR2):c.11710C>T (p.Arg3904Trp)

Gene: RYR2 (ryanodine receptor 2; plus strand). Cytogenetic location: 1q43.
Variant type: single nucleotide variant.
Coding change: c.11710C>T on transcript NM_001035.3 (MANE Select); coding-DNA position 11710, C replaced by T.
Protein change: p.Arg3904Trp; replaces arginine 3904 with tryptophan.
Molecular consequence: missense variant.
Genome position (GRCh38, 1-based): chr1:237,773,583, C>T. VCF-style: chr1-237773583-C-T. GRCh37 (hg19) VCF-style: chr1-237936883-C-T.
Other names: c.11710C>T, p.Arg3904Trp (LRG_402t1); short protein forms R3904W.
Identifiers: ClinVar variation 449245 (VCV000449245.15), dbSNP rs998659755, ClinGen allele CA39817829.
Genomic context (GRCh38, chr1:237,773,583, plus strand): 5'-TCAATTAGTGACTTTTATTGGTATTACTCTGGGAAAGATGTTATTGATGAACAAGGACAA[C>T]GGAATTTCTCCAAAGCTATCCAAGTGGCAAAACAAGTCTTTAACACTCTTACAGAGTATA-3'
Protein context (NP_001026.2, residues 3894-3914): GKDVIDEQGQ[Arg3904Trp]NFSKAIQVAK

ClinVar aggregate classification (germline): Uncertain significance. Review status: criteria provided, multiple submitters, no conflicts (2 of 4 stars). 4 submissions from 4 submitters: Uncertain significance (4). Last evaluated 2026-01-04.

Conditions:
Catecholaminergic polymorphic ventricular tachycardia (CVPT). Also called: Catecholamine-induced polymorphic ventricular tachycardia. Identifiers: Orphanet 3286, MedGen C5574922, MONDO:0017990.
Cardiovascular phenotype. Identifiers: MedGen CN230736.
Catecholaminergic polymorphic ventricular tachycardia 1. Also called: VENTRICULAR TACHYCARDIA, CATECHOLAMINERGIC POLYMORPHIC, 1, WITH OR WITHOUT ATRIAL DYSFUNCTION AND/OR DILATED CARDIOMYOPATHY; VENTRICULAR TACHYCARDIA, STRESS-INDUCED POLYMORPHIC 1; RYR2-Related Catecholaminergic Polymorphic Ventricular Tachycardia. Identifiers: Orphanet 3286, MedGen C1631597, MONDO:0011484, OMIM 604772.

Allele frequency attached by ClinVar (database versions not stated): gnomAD exomes below 0.00001; TOPMed 0.00002.
gnomAD v4.1: 4 of 1,604,958 alleles (0.00025%); highest among the groups gnomAD compares: Admixed American, 0.0017%; no homozygotes.

Submissions (4):

Labcorp Genetics (formerly Invitae), Labcorp
Classification: Uncertain significance for Catecholaminergic polymorphic ventricular tachycardia 1. Last evaluated: 2026-01-04. Review status: criteria provided, single submitter. Criteria: Invitae Variant Classification Sherloc (09022015). Collection method: clinical testing. Allele origin: germline.
Comment: This sequence change replaces arginine, which is basic and polar, with tryptophan, which is neutral and slightly polar, at codon 3904 of the RYR2 protein (p.Arg3904Trp). This variant is not present in population databases (gnomAD no frequency). This variant has not been reported in the literature in individuals affected with RYR2-related conditions. ClinVar contains an entry for this variant (Variation ID: 449245). Invitae Evidence Modeling of protein sequence and biophysical properties (such as structural, functional, and spatial information, amino acid conservation, physicochemical variation, residue mobility, and thermodynamic stability) indicates that this missense variant is not expected to disrupt RYR2 protein function with a negative predictive value of 95%. In summary, the available evidence is currently insufficient to determine the role of this variant in disease. Therefore, it has been classified as a Variant of Uncertain Significance.

All of Us Research Program, National Institutes of Health
Classification: Uncertain significance for Catecholaminergic polymorphic ventricular tachycardia. Last evaluated: 2023-12-01. Review status: criteria provided, single submitter. Criteria: ACMG Guidelines, 2015. Collection method: clinical testing. Allele origin: germline. Inheritance: Autosomal dominant inheritance. Observed: 4 variant alleles, 4 heterozygotes.
Comment: This study involves interpretation of variants in research participants for the purpose of population health screening. Participant phenotype was not available at the time of variant classification. Additional details can be found in publication PMID: 35346344, PMCID: PMC8962531

Ambry Genetics
Classification: Uncertain significance for Cardiovascular phenotype. Last evaluated: 2023-10-04. Review status: criteria provided, single submitter. Criteria: Ambry Variant Classification Scheme 2023. Collection method: clinical testing. Allele origin: germline.
Comment: The p.R3904W variant (also known as c.11710C>T), located in coding exon 87 of the RYR2 gene, results from a C to T substitution at nucleotide position 11710. The arginine at codon 3904 is replaced by tryptophan, an amino acid with dissimilar properties. This amino acid position is highly conserved in available vertebrate species. In addition, the in silico prediction for this alteration is inconclusive. Since supporting evidence is limited at this time, the clinical significance of this alteration remains unclear.

GeneDx
Classification: Uncertain significance. Last evaluated: 2021-03-31. Review status: criteria provided, single submitter. Criteria: GeneDx Variant Classification Process June 2021. Collection method: clinical testing. Allele origin: germline. Affected: yes.
Comment: Has not been previously published as pathogenic or benign to our knowledge; Reported in ClinVar as a variant of uncertain significance (ClinVar Variant ID# 449245; Landrum et al., 2016); Not observed in large population cohorts (Lek et al., 2016); In silico analysis supports that this missense variant has a deleterious effect on protein structure/function; Located in one of the three hot-spot regions of the RYR2 gene, where the majority of pathogenic missense variants occur (Medeiros-Domingo et al., 2009)